The following is an entry in ClinVar:

ClinVar aggregate classification (germline): Uncertain significance (1 of 4 stars; one submission).

Conditions:
Perlman syndrome (PRLMNS). Identifiers: Orphanet 2849, MedGen C0796113, MONDO:0009965, OMIM 267000.

Submission:

Labcorp Genetics (formerly Invitae), Labcorp
Classification: Uncertain significance for Perlman syndrome. Last evaluated: 2023-09-09. Review status: criteria provided, single submitter. Criteria: Invitae Variant Classification Sherloc (09022015). Collection method: clinical testing. Allele origin: germline.
Comment: In summary, the available evidence is currently insufficient to determine the role of this variant in disease. Therefore, it has been classified as a Variant of Uncertain Significance. Experimental studies and prediction algorithms are not available or were not evaluated, and the functional significance of this variant is currently unknown. This variant has not been reported in the literature in individuals affected with DIS3L2-related conditions. This variant results in a copy number gain of the genomic region encompassing exon(s) 2-6 of the DIS3L2 gene. This region includes the initiator codon of the gene. This copy number gain extends beyond the assayed region for this gene and therefore may encompass additional genes. As the precise location of this event is unknown, it may be in tandem or it may be located elsewhere in the genome.

NC_000002.11:g.(?_232879638)_(232952441_?)dup

Gene: DIS3L2 (DIS3 like 3'-5' exoribonuclease 2; plus strand). Cytogenetic location: 2q37.1.
Variant type: Duplication.
Identifiers: ClinVar variation 1052629 (VCV001052629.3).